The following is an entry in ClinVar:

NM_005591.4(MRE11):c.1318G>A (p.Ala440Thr)

Gene: MRE11 (MRE11 double strand break repair nuclease; minus strand). Cytogenetic location: 11q21.
Variant type: single nucleotide variant.
Coding change: c.1318G>A on transcript NM_005591.4 (MANE Select); coding-DNA position 1318, G replaced by A.
Protein change: p.Ala440Thr; replaces alanine 440 with threonine.
Molecular consequence: missense variant.
Genome position (GRCh38, 1-based): chr11:94,460,944, C>T on the plus strand (G>A on the coding strand, the complement: MRE11 is on the minus strand). VCF-style: chr11-94460944-C-T. GRCh37 (hg19) VCF-style: chr11-94194110-C-T.
Other names: c.1318G>A, p.Ala440Thr (NM_001330347.2, NM_005590.4); short protein forms A440T.
Identifiers: ClinVar variation 185166 (VCV000185166.18), dbSNP rs773469981, ClinGen allele CA191208.

ClinVar aggregate classification (germline): Uncertain significance. Review status: criteria provided, multiple submitters, no conflicts (2 of 4 stars). 6 submissions from 6 submitters: Uncertain significance (6). Last evaluated 2025-08-30.

Conditions:
Ataxia-telangiectasia-like disorder (ATLD). Identifiers: MedGen C1858391, MONDO:0011457.
MRE11-related disorder. Also called: MRE11-related condition.
Hereditary cancer-predisposing syndrome. Also called: Hereditary neoplastic syndrome; Neoplastic Syndromes, Hereditary; Tumor predisposition; Hereditary Cancer Syndrome. Identifiers: Orphanet 140162, MedGen C0027672, MeSH D009386, MONDO:0015356.

Allele frequency attached by ClinVar (database versions not stated): gnomAD 0.00003; TOPMed 0.00007.
gnomAD v4.1: 15 of 1,612,272 alleles (0.00093%); highest among the groups gnomAD compares: Admixed American, 0.01%; no homozygotes.

Submissions (6):

Ambry Genetics
Classification: Uncertain significance for Hereditary cancer-predisposing syndrome. Last evaluated: 2025-08-30. Review status: criteria provided, single submitter. Criteria: Ambry Variant Classification Scheme 2023. Collection method: clinical testing. Allele origin: germline.
Comment: The p.A440T variant (also known as c.1318G>A), located in coding exon 11 of the MRE11A gene, results from a G to A substitution at nucleotide position 1318. The alanine at codon 440 is replaced by threonine, an amino acid with similar properties. This amino acid position is well conserved in available vertebrate species. In addition, this alteration is predicted to be tolerated by in silico analysis. Since supporting evidence is limited at this time, the clinical significance of this alteration remains unclear.

Quest Diagnostics Nichols Institute San Juan Capistrano
Classification: Uncertain significance. Last evaluated: 2024-03-25. Review status: criteria provided, single submitter. Criteria: Quest Diagnostics criteria. Collection method: clinical testing. Allele origin: unknown.

PreventionGenetics, part of Exact Sciences
Classification: Uncertain significance for MRE11-related condition. Last evaluated: 2023-04-20. Review status: criteria provided, single submitter. Criteria: ACMG Guidelines, 2015. Collection method: clinical testing. Allele origin: germline.
Comment: The MRE11 c.1318G>A variant is predicted to result in the amino acid substitution p.Ala440Thr. To our knowledge, this variant has not been reported in the literature. This variant is reported in 0.0087% of alleles in individuals of Latino descent in gnomAD and is interpreted as uncertain in ClinVar. At this time, the clinical significance of this variant is uncertain due to the absence of conclusive functional and genetic evidence.

Labcorp Genetics (formerly Invitae), Labcorp
Classification: Uncertain significance for Ataxia-telangiectasia-like disorder. Last evaluated: 2021-09-01. Review status: criteria provided, single submitter. Criteria: Invitae Variant Classification Sherloc (09022015). Collection method: clinical testing. Allele origin: germline.
Comment: This sequence change replaces alanine with threonine at codon 440 of the MRE11 protein (p.Ala440Thr). The alanine residue is highly conserved and there is a small physicochemical difference between alanine and threonine. This variant is present in population databases (rs773469981, ExAC 0.009%). This variant has not been reported in the literature in individuals affected with MRE11-related conditions. ClinVar contains an entry for this variant (Variation ID: 185166). Algorithms developed to predict the effect of missense changes on protein structure and function are either unavailable or do not agree on the potential impact of this missense change (SIFT: "Deleterious"; PolyPhen-2: "Benign"; Align-GVGD: "Class C0"). In summary, the available evidence is currently insufficient to determine the role of this variant in disease. Therefore, it has been classified as a Variant of Uncertain Significance.

GeneDx
Classification: Uncertain significance. Last evaluated: 2020-01-31. Review status: criteria provided, single submitter. Criteria: GeneDx Variant Classification Process June 2021. Collection method: clinical testing. Allele origin: germline. Affected: yes.
Comment: Not observed at a significant frequency in large population cohorts (Lek et al., 2016); In silico analysis supports that this missense variant does not alter protein structure/function; Has not been previously published as pathogenic or benign to our knowledge

Breakthrough Genomics
Classification: Uncertain significance. Review status: criteria provided, single submitter. Criteria: ACMG Guidelines, 2015. Collection method: not provided. Allele origin: germline. Inheritance: Autosomal recessive inheritance. Affected: yes.

Literature cited by the submitters: PubMed 33471991 (cited by Quest Diagnostics Nichols Institute San Juan Capistrano).